The following is an entry in ClinVar:

NM_001142800.2(EYS):c.-82T>C

Gene: EYS (EGF-like photoreceptor maintenance factor; minus strand). Cytogenetic location: 6q12.
Variant type: single nucleotide variant.
Coding change: c.-82T>C on transcript NM_001142800.2 (MANE Select); 82 bases upstream of the start codon, T replaced by C.
Molecular consequence: 5 prime UTR variant.
Genome position (GRCh38, 1-based): chr6:65,495,492, A>G on the plus strand (T>C on the coding strand, the complement: EYS is on the minus strand). VCF-style: chr6-65495492-A-G. GRCh37 (hg19) VCF-style: chr6-66205385-A-G.
Other names: c.-82T>C (NM_001142801.2, NM_001292009.2, NM_198283.2).
Identifiers: ClinVar variation 910892 (VCV000910892.8), dbSNP rs1766226162, ClinGen allele CA1139659666.

ClinVar aggregate classification (germline): Uncertain significance. Review status: criteria provided, multiple submitters, no conflicts (2 of 4 stars). 2 submissions from 2 submitters: Uncertain significance (2). Last evaluated 2022-08-22.

Conditions:
Retinitis pigmentosa (RP). Identifiers: Orphanet 791, MedGen C0035334, MeSH D012174, MONDO:0019200, OMIM 268000. Inheritance: Autosomal dominant, autosomal recessive and X linked inheritance.

gnomAD v4.1: 5 of 1,476,738 alleles (0.00034%); highest among the groups gnomAD compares: Admixed American, 0.0018%; no homozygotes.

Submissions (2):

Labcorp Genetics (formerly Invitae), Labcorp
Classification: Uncertain significance. Last evaluated: 2022-08-22. Review status: criteria provided, single submitter. Criteria: Invitae Variant Classification Sherloc (09022015). Collection method: clinical testing. Allele origin: germline.
Comment: This variant occurs in a non-coding region of the EYS gene. It does not change the encoded amino acid sequence of the EYS protein. This variant is not present in population databases (gnomAD no frequency). This variant has not been reported in the literature in individuals affected with EYS-related conditions. ClinVar contains an entry for this variant (Variation ID: 910892). In summary, the available evidence is currently insufficient to determine the role of this variant in disease. Therefore, it has been classified as a Variant of Uncertain Significance.

Illumina Laboratory Services, Illumina
Classification: Uncertain significance for Retinitis pigmentosa. Last evaluated: 2018-01-12. Review status: criteria provided, single submitter. Criteria: ICSL Variant Classification Criteria 13 December 2019. Collection method: clinical testing. Allele origin: germline.